The following is an entry in ClinVar:

ClinVar aggregate classification (germline): Uncertain significance. Review status: criteria provided, multiple submitters, no conflicts (2 of 4 stars). 3 submissions from 3 submitters: Uncertain significance (3). Last evaluated 2026-05-22.

Conditions:
Familial thoracic aortic aneurysm and aortic dissection (TAAD). Also called: Thoracic aortic aneurysms and dissections. Identifiers: Orphanet 91387, MedGen C4707243, MONDO:0019625.
MYLK-related disorder. Also called: MYLK-related condition.
Aortic aneurysm, familial thoracic 7 (AAT7). Also called: AORTIC DISSECTION, FAMILIAL, WITH OR WITHOUT AORTIC ANEURYSM. Identifiers: MedGen C3151077, MONDO:0013418, OMIM 613780.

Allele frequency attached by ClinVar (database versions not stated): gnomAD 0.00003; TOPMed 0.00004.
gnomAD v4.1: 50 of 1,569,782 alleles (0.0032%); highest among the groups gnomAD compares: South Asian, 0.022%; no homozygotes.

Submissions (3):

PreventionGenetics, part of Exact Sciences
Classification: Uncertain significance for MYLK-related condition. Last evaluated: 2026-05-22. Review status: criteria provided, single submitter. Criteria: ACMG Guidelines, 2015. Collection method: clinical testing. Allele origin: germline.
Comment: The MYLK c.1673G>A variant is predicted to result in the amino acid substitution p.Arg558His. To our knowledge, this variant has not been reported in the literature. This variant is reported in 0.012% of alleles in individuals of South Asian descent in gnomAD. At this time, the clinical significance of this variant is uncertain due to the absence of conclusive functional and genetic evidence.

Labcorp Genetics (formerly Invitae), Labcorp
Classification: Uncertain significance for Aortic aneurysm, familial thoracic 7. Last evaluated: 2025-07-30. Review status: criteria provided, single submitter. Criteria: Invitae Variant Classification Sherloc (09022015). Collection method: clinical testing. Allele origin: germline.
Comment: This sequence change replaces arginine, which is basic and polar, with histidine, which is basic and polar, at codon 558 of the MYLK protein (p.Arg558His). The frequency data for this variant in the population databases is considered unreliable, as metrics indicate poor data quality at this position in the gnomAD database. This variant has not been reported in the literature in individuals affected with MYLK-related conditions. ClinVar contains an entry for this variant (Variation ID: 626515). Invitae Evidence Modeling of protein sequence and biophysical properties (such as structural, functional, and spatial information, amino acid conservation, physicochemical variation, residue mobility, and thermodynamic stability) indicates that this missense variant is not expected to disrupt MYLK protein function with a negative predictive value of 80%. In summary, the available evidence is currently insufficient to determine the role of this variant in disease. Therefore, it has been classified as a Variant of Uncertain Significance.

CHEO Genetics Diagnostic Laboratory, Children's Hospital of Eastern Ontario
Classification: Uncertain significance for Familial thoracic aortic aneurysm and aortic dissection. Last evaluated: 2016-06-23. Review status: criteria provided, single submitter. Criteria: ACMG Guidelines, 2015. Collection method: clinical testing. Allele origin: germline. Study: Canadian Open Genetics Repository.

NM_053025.4(MYLK):c.1673G>A (p.Arg558His)

Gene: MYLK (myosin light chain kinase; minus strand). Cytogenetic location: 3q21.1.
Variant type: single nucleotide variant.
Coding change: c.1673G>A on transcript NM_053025.4 (MANE Select); coding-DNA position 1673, G replaced by A.
Protein change: p.Arg558His; replaces arginine 558 with histidine.
Molecular consequence: missense variant.
Genome position (GRCh38, 1-based): chr3:123,722,259, C>T on the plus strand (G>A on the coding strand, the complement: MYLK is on the minus strand). VCF-style: chr3-123722259-C-T. GRCh37 (hg19) VCF-style: chr3-123441106-C-T.
Other names: c.1145G>A, p.Arg382His (NM_001321309.2); c.1466G>A, p.Arg489His (NM_053026.4, NM_053028.4); c.1673G>A, p.Arg558His (NM_053027.4); short protein forms R558H, R489H, R382H.
Identifiers: ClinVar variation 626515 (VCV000626515.12), dbSNP rs753464560, ClinGen allele CA067397.